The following is an entry in ClinVar:

ClinVar aggregate classification (germline): Likely pathogenic (1 of 4 stars; one submission).

Conditions:
Neurodevelopmental disorder with dysmorphic facies and distal limb anomalies. Identifiers: Orphanet 686482, MedGen C4540327, MONDO:0060596, OMIM 617755.

Submission:

3billion
Classification: Likely pathogenic for Neurodevelopmental disorder with dysmorphic facies and distal limb anomalies. Last evaluated: 2023-08-25. Review status: criteria provided, single submitter. Criteria: ACMG Guidelines, 2015. Collection method: clinical testing. Allele origin: germline. Affected: yes.
Comment: The variant is not observed in the gnomAD v2.1.1 dataset. Predicted Consequence/Location: Stop-gained (nonsense): predicted to result in a loss or disruption of normal protein function through nonsense-mediated decay (NMD) or protein truncation. Multiple pathogenic variants are reported downstream of the variant. Therefore, this variant is classified as Likely pathogenic according to the recommendation of ACMG/AMP guideline.

NM_182641.4(BPTF):c.3370C>T (p.Gln1124Ter)

Gene: BPTF (bromodomain PHD finger transcription factor; plus strand). Cytogenetic location: 17q24.2.
Variant type: single nucleotide variant.
Coding change: c.3370C>T on transcript NM_182641.4 (MANE Select); coding-DNA position 3370, C replaced by T.
Protein change: p.Gln1124Ter; replaces glutamine 1124 with a stop codon.
Molecular consequence: nonsense.
Genome position (GRCh38, 1-based): chr17:67,911,254, C>T. VCF-style: chr17-67911254-C-T. GRCh37 (hg19) VCF-style: chr17-65907370-C-T.
Other names: c.3748C>T, p.Gln1250Ter (NM_004459.7); short protein forms Q1124*, Q1250*.
Identifiers: ClinVar variation 3775842 (VCV003775842.1).